The following is an entry in ClinVar:

ClinVar aggregate classification (germline): Uncertain significance (1 of 4 stars; one submission).

Allele frequency attached by ClinVar (database versions not stated): gnomAD 0.00001.
gnomAD v4.1: 4 of 1,613,056 alleles (0.00025%); highest among the groups gnomAD compares: Admixed American, 0.0017%; no homozygotes.

Submission:

Women's Health and Genetics/Laboratory Corporation of America, LabCorp
Classification: Uncertain significance. Last evaluated: 2024-01-19. Review status: criteria provided, single submitter. Criteria: LabCorp Variant Classification Summary - May 2015. Collection method: clinical testing. Allele origin: germline.
Comment: Variant summary: ARHGEF10 c.1090C>G (p.Leu364Val) results in a conservative amino acid change in the encoded protein sequence. Five of five in-silico tools predict a benign effect of the variant on protein function. The variant allele was found at a frequency of 4e-06 in 251266 control chromosomes. The available data on variant occurrences in the general population are insufficient to allow any conclusion about variant significance. To our knowledge, no occurrence of c.1090C>G in individuals affected with Autosomal Dominant Slowed Nerve Conduction Velocity and no experimental evidence demonstrating its impact on protein function have been reported. No submitters have cited clinical-significance assessments for this variant to ClinVar. Based on the evidence outlined above, the variant was classified as uncertain significance.

NM_014629.4(ARHGEF10):c.1090C>G (p.Leu364Val)

Gene: ARHGEF10 (Rho guanine nucleotide exchange factor 10; plus strand). Cytogenetic location: 8p23.3.
Variant type: single nucleotide variant.
Coding change: c.1090C>G on transcript NM_014629.4 (MANE Select); coding-DNA position 1090, C replaced by G.
Protein change: p.Leu364Val; replaces leucine 364 with valine.
Molecular consequence: missense variant.
Genome position (GRCh38, 1-based): chr8:1,885,615, C>G. VCF-style: chr8-1885615-C-G. GRCh37 (hg19) VCF-style: chr8-1833781-C-G.
Other names: c.976C>G, p.Leu326Val (NM_001308152.2); c.1093C>G, p.Leu365Val (NM_001308153.3); short protein forms L326V, L364V, L389V, L365V.
Identifiers: ClinVar variation 3063994 (VCV003063994.1), dbSNP rs767997870, ClinGen allele CA4600212.
Genomic context (GRCh38, chr8:1,885,615, plus strand): 5'-ATATTATTTGAATGTAAAATTCATGCATTTTGACTTTTTTTTTAAGATCACAGATCTTCT[C>G]TTGAGGAAGAACAGAATTTGTTCATTGATGTTGACTGCAAGCACCCGGAAGCCATCTTGA-3'
Protein context (NP_055444.2, residues 354-374): SLIAQDHRSS[Leu364Val]EEEQNLFIDV